The following is an entry in ClinVar:

NM_000264.5(PTCH1):c.107C>T (p.Thr36Met)

Genes: PTCH1 (patched 1; minus strand), LOC130002133 (ATAC-STARR-seq lymphoblastoid silent region 20071; plus strand). Cytogenetic location: 9q22.32.
Variant type: single nucleotide variant.
Coding change: c.107C>T on transcript NM_000264.5 (MANE Select); coding-DNA position 107, C replaced by T.
Protein change: p.Thr36Met; replaces threonine 36 with methionine.
Molecular consequence: missense variant. On other transcripts: non-coding transcript variant (1), intron variant (3).
Genome position (GRCh38, 1-based): chr9:95,508,255, G>A on the plus strand (C>T on the coding strand, the complement: PTCH1 is on the minus strand). VCF-style: chr9-95508255-G-A. GRCh37 (hg19) VCF-style: chr9-98270537-G-A.
Other names: c.107C>T, p.Thr36Met (NM_001354918.2); c.199-1656C>T (NM_001083603.3); c.4-1656C>T (NM_001083602.3, NM_001354919.2); short protein forms T36M.
Identifiers: ClinVar variation 4675339 (VCV004675339.1).

ClinVar aggregate classification (germline): Uncertain significance (1 of 4 stars; one submission).

Conditions:
Hereditary cancer-predisposing syndrome. Also called: Neoplastic Syndromes, Hereditary; Tumor predisposition; Hereditary Cancer Syndrome; Hereditary neoplastic syndrome. Identifiers: Orphanet 140162, MedGen C0027672, MeSH D009386, MONDO:0015356.

Submission:

Ambry Genetics
Classification: Uncertain significance for Hereditary cancer-predisposing syndrome. Last evaluated: 2025-09-16. Review status: criteria provided, single submitter. Criteria: Ambry Variant Classification Scheme 2023. Collection method: clinical testing. Allele origin: germline.
Comment: The p.T36M variant (also known as c.107C>T), located in coding exon 1 of the PTCH1 gene, results from a C to T substitution at nucleotide position 107. The threonine at codon 36 is replaced by methionine, an amino acid with similar properties. This amino acid position is not well conserved in available vertebrate species. In addition, this alteration is predicted to be tolerated by in silico analysis. Based on the available evidence, the clinical significance of this variant remains unclear.